The following is an entry in ClinVar:

NM_000077.5(CDKN2A):c.303G>A (p.Gly101=)

Gene: CDKN2A (cyclin dependent kinase inhibitor 2A; minus strand). Cytogenetic location: 9p21.3.
Variant type: single nucleotide variant.
Coding change: c.303G>A on transcript NM_000077.5; coding-DNA position 303, G replaced by A.
Protein change: p.Gly101=; no amino-acid change (glycine 101 retained).
Molecular consequence: synonymous variant (on NM_000077.6). On other transcripts: missense variant (1), 3 prime UTR variant (1).
Genome position (GRCh38, 1-based): chr9:21,971,056, C>T on the plus strand (G>A on the coding strand, the complement: CDKN2A is on the minus strand). VCF-style: chr9-21971056-C-T. GRCh37 (hg19) VCF-style: chr9-21971055-C-T.
Other names: c.303G>A, p.Gly101= (NM_000077.6, NM_001195132.2); c.150G>A, p.Gly50= (NM_001363763.2); c.346G>A, p.Gly116Ser (NM_058195.4); c.*226G>A (NM_058197.5); short protein forms G116S.
Identifiers: ClinVar variation 1799137 (VCV001799137.3), dbSNP rs1554654044, ClinGen allele CA373086105.

ClinVar aggregate classification (germline): Conflicting classifications of pathogenicity. Review status: criteria provided, conflicting classifications (1 of 4 stars). 2 submissions from 2 submitters: Uncertain significance (1); Likely benign (1). Last evaluated 2024-06-20.

Conditions:
Hereditary cancer-predisposing syndrome. Also called: Hereditary neoplastic syndrome; Neoplastic Syndromes, Hereditary; Tumor predisposition; Hereditary Cancer Syndrome. Identifiers: Orphanet 140162, MedGen C0027672, MeSH D009386, MONDO:0015356.

Submissions (2):

Color Diagnostics, LLC DBA Color Health
Classification: Uncertain significance for Hereditary cancer-predisposing syndrome. Last evaluated: 2024-06-20. Review status: criteria provided, single submitter. Criteria: ACMG Guidelines, 2015. Collection method: clinical testing. Allele origin: germline.
Comment: The CDKN2A locus encodes two different gene products, p16INK4a and p14ARF. This missense variant replaces glycine with serine at codon 116 of the CDKN2A (p16INK4A) protein. Computational prediction suggests that this variant may not impact protein structure and function. To our knowledge, functional studies have not been reported for this variant. This variant has not been reported in individuals affected with CDKN2A-related disorders in the literature. This variant has not been identified in the general population by the Genome Aggregation Database (gnomAD). The available evidence is insufficient to determine the role of this variant in disease conclusively. Therefore, this variant is classified as a Variant of Uncertain Significance.

Ambry Genetics
Classification: Likely benign for Hereditary cancer-predisposing syndrome. Last evaluated: 2020-09-16. Review status: criteria provided, single submitter. Criteria: Ambry Variant Classification Scheme 2023. Collection method: clinical testing. Allele origin: germline.